The following continues an entry in ClinVar:

NM_000492.4(CFTR):c.1270G>A (p.Gly424Ser)

ClinVar aggregate classification (germline): Uncertain significance. Uncertain significance (13).

Submissions 11 to 15 of 15:

ARUP Laboratories, Molecular Genetics and Genomics, ARUP Laboratories
Classification: Uncertain significance. Last evaluated: 2017-07-03. Review status: criteria provided, single submitter. Criteria: ARUP Molecular Germline Variant Investigation Process. Collection method: clinical testing. Allele origin: germline.
Comment: The CFTR c.1270G>A; p.Gly424Ser variant (rs371107552) has been reported in two individuals from a family with rheumatoid arthritis and bronchiectasis (Puechal 2011), and reported to cause exon 9 skipping in a portion of transcripts (Pagani 2003, Aissat 2013). However, this variant occurs in a weakly conserved amino acid (Chen 2001), and computational algorithms (SIFT, PolyPhen2, MutationTaster) predict this variant to be tolerated. This variant is reported in the ClinVar database as uncertain (Variation ID: 286406), and observed in general population databases with overall allele frequencies of 0.015 percent (2/12966 alleles, Exome Variant Server), and 0.008 percent (21/272812 alleles, Genome Aggregation Database), but is considered a low confidence variant in the database due to segmental duplication. Based on the above information, the clinical significance of p.Gly424Ser is uncertain at this time. REFERENCES Link to ClinVar database for p.Gly424Ser: Aissat A et al. Combined computational-experimental analyses of CFTR exon strength uncover predictability of exon-skipping level. Hum Mutat. 2013 Jun;34(6):873-81. Chen JM et al. A combined analysis of the cystic fibrosis transmembrane conductance regulator: implications for structure and disease models. Mol Biol Evol. 2001 Sep;18(9):1771-88. Pagani F et al. Missense, nonsense, and neutral mutations define juxtaposed regulatory elements of splicing in cystic fibrosis transmembrane regulator exon 9. J Biol Chem. 2003 Jul 18;278(29):26580-8. Puechal X et al. Mutations of the cystic fibrosis gene in patients with bronchiectasis associated with rheumatoid arthritis. Ann Rheum Dis. 2011 Apr;70(4):653-9.

Laboratory for Molecular Medicine, Mass General Brigham Personalized Medicine
Classification: Uncertain significance. Last evaluated: 2016-05-20. Review status: criteria provided, single submitter. Criteria: LMM Criteria. Collection method: clinical testing. Allele origin: germline. Observed: 1 variant allele.
Comment: The p.Gly424Ser variant in CFTR has been reported in at least 1 Caucasian indivi dual with diffuse bronchiectasis and rheumatoid arthritis. Multiple members of t his family are reported to be affected, but this variant does not segregate with disease (Puechal 2011). This variant has been identified in 9/57094 European ch romosomes by the NHLBI Exome Sequencing Project (S/; dbSNP rs371107552). Computational prediction tools and conservation analysis suggest that the p.Gly424Ser variant may not impact the protein, though this in formation is not predictive enough to rule out pathogenicity. In summary, the cl inical significance of the p.Gly424Ser variant is uncertain.

Eurofins Ntd Llc (ga)
Classification: Uncertain significance. Last evaluated: 2016-03-14. Review status: criteria provided, single submitter. Criteria: EGL Classification Definitions 2015. Collection method: clinical testing. Allele origin: germline. Observed: 1 variant allele, 1 heterozygote.

Natera, Inc.
Classification: Uncertain significance for Cystic Fibrosis. Last evaluated: 2020-09-16. Review status: no assertion criteria provided. Collection method: clinical testing. Allele origin: germline. Not counted in ClinVar's aggregate classification.

Counsyl
Classification: Uncertain significance for Cystic fibrosis. Last evaluated: 2018-01-16. Review status: no assertion criteria provided. Collection method: clinical testing. Allele origin: unknown. Not counted in ClinVar's aggregate classification.

Literature cited by the submitters: PubMed 15536480 (cited by Women's Health and Genetics/Laboratory Corporation of America, LabCorp); PubMed 16251901 (cited by Women's Health and Genetics/Laboratory Corporation of America, LabCorp); PubMed 21131649 (cited by 5 submitters); PubMed 11504857 (cited by Women's Health and Genetics/Laboratory Corporation of America, LabCorp); PubMed 23420618 (cited by Women's Health and Genetics/Laboratory Corporation of America, LabCorp and Counsyl); PubMed 12732620 (cited by 4 submitters); PubMed 25735457 (cited by Women's Health and Genetics/Laboratory Corporation of America, LabCorp); PubMed 28603918 (cited by Women's Health and Genetics/Laboratory Corporation of America, LabCorp); PubMed 29669919 (cited by Women's Health and Genetics/Laboratory Corporation of America, LabCorp and Mayo Clinic Laboratories, Mayo Clinic); PubMed 34782259 (cited by Women's Health and Genetics/Laboratory Corporation of America, LabCorp and Mayo Clinic Laboratories, Mayo Clinic); PubMed 38388235 (cited by Women's Health and Genetics/Laboratory Corporation of America, LabCorp and Mayo Clinic Laboratories, Mayo Clinic).